The following is an entry in ClinVar:

NM_000088.4(COL1A1):c.3223G>A (p.Ala1075Thr)

Gene: COL1A1 (collagen type I alpha 1 chain; minus strand). Cytogenetic location: 17q21.33.
Variant type: single nucleotide variant.
Coding change: c.3223G>A on transcript NM_000088.4 (MANE Select); coding-DNA position 3223, G replaced by A.
Protein change: p.Ala1075Thr; replaces alanine 1075 with threonine.
Molecular consequence: missense variant.
Genome position (GRCh38, 1-based): chr17:50,188,134, C>T on the plus strand (G>A on the coding strand, the complement: COL1A1 is on the minus strand). VCF-style: chr17-50188134-C-T. GRCh37 (hg19) VCF-style: chr17-48265495-T-T.
Other names: short protein forms A1075T.
Identifiers: ClinVar variation 379433 (VCV000379433.16), dbSNP rs1800215, ClinGen allele CA16607365.
Genomic context (GRCh38, chr17:50,188,134, plus strand): 5'-GGGGACACAGCAGGGTACTTACGGCGGGGCCACGGGCGCCAACAGGGCCGACAGGACCGG[C>T]GGGACCAGCAGGACCCTGGGGAGAGCAAGGAAAGCATGAGCTCTTGGCCAGGGAAGGCTG-3'
Protein context (NP_000079.2, residues 1065-1085): DRGETGPAGP[Ala1075Thr]GPVGPVGARG

ClinVar aggregate classification (germline): Benign/Likely benign. Review status: criteria provided, multiple submitters, no conflicts (2 of 4 stars). 5 submissions from 5 submitters: Benign (4); Likely benign (1). Last evaluated 2026-03-27.

Conditions:
Osteoporosis. Identifiers: MedGen C0029456, MONDO:0005298, OMIM 166710, HP:0000939.
Osteogenesis imperfecta with normal sclerae, dominant form (OI4). Also called: OSTEOGENESIS IMPERFECTA WITH NORMAL SCLERAE; Osteogenesis Imperfecta Type IV; Common Variable Osteogenesis Imperfecta with Normal Sclerae; OSTEOGENESIS IMPERFECTA, TYPE IV, WITH DENTINOGENESIS IMPERFECTA; Osteogenesis imperfecta type 4. Identifiers: Orphanet 216820, Orphanet 666, MedGen C0268363, MONDO:0008148, OMIM 166220.
Infantile cortical hyperostosis. Also called: Caffey Disease; P1PK BLOOD GROUP SYSTEM, P(2) PHENOTYPE; Hyperostosis, Cortical, Congenital. Identifiers: Orphanet 1310, MedGen C0020497, MONDO:0007244, OMIM 114000.
Osteogenesis imperfecta, perinatal lethal (OI2). Also called: OSTEOGENESIS IMPERFECTA, TYPE II; OI, TYPE II; OSTEOGENESIS IMPERFECTA CONGENITA; Osteogenesis imperfecta type 2; VROLIK TYPE OF OSTEOGENESIS IMPERFECTA; Osteogenesis imperfecta, dominant perinatal lethal. Identifiers: Orphanet 216804, MedGen C0268358, MONDO:0008147, OMIM 166210.
Osteogenesis imperfecta type III (OI3). Also called: Osteogenesis imperfecta type 3; OI type 3; Osteogenesis imperfecta, progressively deforming with normal sclerae; OI type III; Progressively Deforming Osteogenesis Imperfecta. Identifiers: Orphanet 216812, Orphanet 666, MedGen C0268362, MONDO:0009804, OMIM 259420.
Ehlers-Danlos syndrome, arthrochalasia type. Also called: ARTHROCHALASIS MULTIPLEX CONGENITA; Ehlers-Danlos syndrome, arthrochalasis type; Ehlers-Danlos syndrome, arthrochalasia type, 1; EDS VII, MUTANT PROCOLLAGEN TYPE; EDS VIIA. Identifiers: Orphanet 1899, Orphanet 99875, Orphanet 99876, MedGen C4551623, MONDO:0007525, OMIM 130060.
Osteogenesis imperfecta type I (OI1). Also called: OI, TYPE I; OSTEOGENESIS IMPERFECTA TARDA; OSTEOGENESIS IMPERFECTA WITH BLUE SCLERAE; Lobstein's Disease; Lobstein disease; Classic Non-deforming Osteogenesis Imperfecta with Blue Sclerae. Identifiers: Orphanet 216796, Orphanet 666, MedGen C0023931, MONDO:0008146, OMIM 166200. Disease mechanism: loss of function.
Combined osteogenesis imperfecta and Ehlers-Danlos syndrome 1. Also called: OIEDS SYNDROME 1. Identifiers: MedGen C5436842, MONDO:0030854, OMIM 619115.

Allele frequency attached by ClinVar (database versions not stated): 1000 Genomes Project 30x 0.02155; TOPMed 0.02624; gnomAD 0.02587 and 0.02714.

Submissions (5):

Molecular Diagnostic Laboratory for Inherited Cardiovascular Disease, Montreal Heart Institute
Classification: Benign. Last evaluated: 2026-03-27. Review status: criteria provided, single submitter. Criteria: ACMG Guidelines, 2015. Collection method: clinical testing. Allele origin: germline. Affected: no.

Labcorp Genetics (formerly Invitae), Labcorp
Classification: Benign for Osteogenesis imperfecta type I. Last evaluated: 2026-02-04. Review status: criteria provided, single submitter. Criteria: Invitae Variant Classification Sherloc (09022015). Collection method: clinical testing. Allele origin: germline.

Genomic Medicine Center of Excellence, King Faisal Specialist Hospital and Research Centre
Classification: Likely benign. Last evaluated: 2025-08-18. Review status: criteria provided, single submitter. Criteria: ACMG Guidelines, 2015. Collection method: clinical testing. Allele origin: germline.

GeneDx
Classification: Benign. Last evaluated: 2016-04-22. Review status: criteria provided, single submitter. Criteria: GeneDx Variant Classification (06012015). Collection method: clinical testing. Allele origin: germline. Affected: yes.
Comment: This variant is considered likely benign or benign based on one or more of the following criteria: it is a conservative change, it occurs at a poorly conserved position in the protein, it is predicted to be benign by multiple in silico algorithms, and/or has population frequency not consistent with disease.

Center for Genomics, Ann and Robert H. Lurie Children's Hospital of Chicago
Classification: Benign for Osteogenesis imperfecta, perinatal lethal; Infantile cortical hyperostosis; Ehlers-Danlos syndrome, arthrochalasia type; Osteogenesis imperfecta type I; Osteoporosis; Combined osteogenesis imperfecta and Ehlers-Danlos syndrome 1; Osteogenesis imperfecta with normal sclerae, dominant form; Osteogenesis imperfecta type III. Review status: criteria provided, single submitter. Criteria: ACMG Guidelines, 2015. Collection method: clinical testing. Allele origin: germline.
Comment: This variant is present in gnomAD (Highest reported MAF: 5.4% [2240/41362], and in numerous homozygotes). This variant is present in ClinVar (Variation ID: 379433). In summary, this variant is classified as benign.